The following is an entry in ClinVar:

ClinVar aggregate classification (germline): Benign. Review status: criteria provided, multiple submitters, no conflicts (2 of 4 stars). 7 submissions from 7 submitters: Benign (7). Last evaluated 2026-02-03.

Conditions:
Oculotrichoanal syndrome (MOTA). Also called: MARLES SYNDROME; Manitoba Oculotrichoanal (MOTA) Syndrome. Identifiers: Orphanet 2717, MedGen C1855425, MONDO:0009560, OMIM 248450.

Allele frequency attached by ClinVar (database versions not stated): TOPMed 0.28192; gnomAD 0.28290 and 0.27977; ExAC 0.32431; gnomAD exomes 0.33479 and 0.34727; 1000 Genomes Project 30x 0.25921; 1000 Genomes Project 0.25998; ESP Exome Variant Server 0.26784.
gnomAD v4.1: 550,051 of 1,613,200 alleles (34%); highest among the groups gnomAD compares: Admixed American, 42%; 97,219 homozygotes.

Submissions (7):

Labcorp Genetics (formerly Invitae), Labcorp
Classification: Benign. Last evaluated: 2026-02-03. Review status: criteria provided, single submitter. Criteria: Invitae Variant Classification Sherloc (09022015). Collection method: clinical testing. Allele origin: germline.

Blueprint Genetics
Classification: Benign. Last evaluated: 2024-11-27. Review status: criteria provided, single submitter. Criteria: ACMG Guidelines, 2015. Collection method: clinical testing. Allele origin: germline.

Mayo Clinic Laboratories, Mayo Clinic
Classification: Benign. Last evaluated: 2022-03-09. Review status: criteria provided, single submitter. Criteria: ACMG Guidelines, 2015. Collection method: clinical testing. Allele origin: germline. Observed: 44 variant alleles.

GeneDx
Classification: Benign. Last evaluated: 2020-04-28. Review status: criteria provided, single submitter. Criteria: GeneDx Variant Classification Process June 2021. Collection method: clinical testing. Allele origin: germline. Affected: yes.

Illumina Laboratory Services, Illumina
Classification: Benign for Oculotrichoanal syndrome. Last evaluated: 2018-01-13. Review status: criteria provided, single submitter. Criteria: ICSL Variant Classification Criteria 13 December 2019. Collection method: clinical testing. Allele origin: germline.
Comment: This variant was observed in the ICSL laboratory as part of a predisposition screen in an ostensibly healthy population. It had not been previously curated by ICSL or reported in the Human Gene Mutation Database (HGMD: prior to June 1st, 2018), and was therefore a candidate for classification through an automated scoring system. Utilizing variant allele frequency, disease prevalence and penetrance estimates, and inheritance mode, an automated score was calculated to assess if this variant is too frequent to cause the disease. Based on the score and internal cut-off values, a variant classified as benign is not then subjected to further curation. The score for this variant resulted in a classification of benign for this disease.

Breakthrough Genomics
Classification: Benign. Review status: criteria provided, single submitter. Criteria: ACMG Guidelines, 2015. Collection method: not provided. Allele origin: germline. Inheritance: Autosomal recessive inheritance. Affected: yes.

PreventionGenetics, part of Exact Sciences
Classification: Benign. Review status: criteria provided, single submitter. Criteria: ACMG Guidelines, 2015. Collection method: clinical testing. Allele origin: germline.

NM_001379081.2(FREM1):c.3634G>T (p.Ala1212Ser)

Gene: FREM1 (FRAS1 related extracellular matrix 1; minus strand). Cytogenetic location: 9p22.3.
Variant type: single nucleotide variant.
Coding change: c.3634G>T on transcript NM_001379081.2 (MANE Select); coding-DNA position 3634, G replaced by T.
Protein change: p.Ala1212Ser; replaces alanine 1212 with serine.
Molecular consequence: missense variant. On other transcripts: non-coding transcript variant (2).
Genome position (GRCh38, 1-based): chr9:14,801,712, C>A on the plus strand (G>T on the coding strand, the complement: FREM1 is on the minus strand). VCF-style: chr9-14801712-C-A. GRCh37 (hg19) VCF-style: chr9-14801710-C-A.
Other names: p.Ala1212Ser; c.3634G>T, p.Ala1212Ser (NM_144966.7); short protein forms A1212S.
Identifiers: ClinVar variation 262537 (VCV000262537.18), dbSNP rs35870000, ClinGen allele CA4990478.